The following is an entry in ClinVar:

NM_005051.3(QARS1):c.781G>C (p.Gly261Arg)

Gene: QARS1 (glutaminyl-tRNA synthetase 1; minus strand). Cytogenetic location: 3p21.31.
Variant type: single nucleotide variant.
Coding change: c.781G>C on transcript NM_005051.3 (MANE Select); coding-DNA position 781, G replaced by C.
Protein change: p.Gly261Arg; replaces glycine 261 with arginine.
Molecular consequence: missense variant. On other transcripts: non-coding transcript variant (1).
Genome position (GRCh38, 1-based): chr3:49,101,628, C>G on the plus strand (G>C on the coding strand, the complement: QARS1 is on the minus strand). VCF-style: chr3-49101628-C-G. GRCh37 (hg19) VCF-style: chr3-49139061-C-G.
Other names: c.748G>C, p.Gly250Arg (NM_001272073.2); short protein forms G261R, G250R.
Identifiers: ClinVar variation 544136 (VCV000544136.9), dbSNP rs779251239, ClinGen allele CA2392027.

ClinVar aggregate classification (germline): Uncertain significance. Review status: criteria provided, multiple submitters, no conflicts (2 of 4 stars). 2 submissions from 2 submitters: Uncertain significance (2). Last evaluated 2021-11-23.

Conditions:
Diffuse cerebral and cerebellar atrophy - intractable seizures - progressive microcephaly syndrome. Also called: Microcephaly, progressive, with seizures and cerebral and cerebellar atrophy. Identifiers: Orphanet 404437, MedGen C4014239, MONDO:0014335, OMIM 615760.

Allele frequency attached by ClinVar (database versions not stated): gnomAD exomes below 0.00001 and 0.00001; TOPMed below 0.00001; ExAC 0.00001.

Submissions (2):

New York Genome Center
Classification: Uncertain significance for Diffuse cerebral and cerebellar atrophy - intractable seizures - progressive microcephaly syndrome. Last evaluated: 2021-11-23. Review status: criteria provided, single submitter. Criteria: NYGC Assertion Criteria 2020. Collection method: clinical testing. Allele origin: germline. Observed: 1 heterozygote. Study: CSER-NYCKidSeq.

Labcorp Genetics (formerly Invitae), Labcorp
Classification: Uncertain significance for Diffuse cerebral and cerebellar atrophy - intractable seizures - progressive microcephaly syndrome. Last evaluated: 2017-08-17. Review status: criteria provided, single submitter. Criteria: Invitae Variant Classification Sherloc (09022015). Collection method: clinical testing. Allele origin: germline.
Comment: In summary, the available evidence is currently insufficient to determine the role of this variant in disease. Therefore, it has been classified as a Variant of Uncertain Significance. Algorithms developed to predict the effect of missense changes on protein structure and function (SIFT, PolyPhen-2, Align-GVGD) all suggest that this variant is likely to be disruptive, but these predictions have not been confirmed by published functional studies and their clinical significance is uncertain. This variant has not been reported in the literature in individuals with QARS-related disease. This variant is present in population databases (rs779251239, ExAC 0.009%). This sequence change replaces glycine with arginine at codon 261 of the QARS protein (p.Gly261Arg). The glycine residue is highly conserved and there is a moderate physicochemical difference between glycine and arginine.